The following is an entry in ClinVar:

ClinVar aggregate classification (germline): Benign/Likely benign. Review status: criteria provided, multiple submitters, no conflicts (2 of 4 stars). 5 submissions from 5 submitters: Benign (4); Likely benign (1). Last evaluated 2025-07-01.

Conditions:
Koolen-de Vries syndrome (KDVS). Identifiers: Orphanet 96169, MedGen C1864871, MONDO:0012496, OMIM 610443.

Allele frequency attached by ClinVar (database versions not stated): 1000 Genomes Project 0.00240; 1000 Genomes Project 30x 0.00390; gnomAD exomes 0.00016 and 0.00037; ExAC 0.00044; ESP Exome Variant Server 0.00108; gnomAD 0.00159 and 0.00164; TOPMed 0.00171.
gnomAD v4.1: 478 of 1,614,174 alleles (0.03%); highest among the groups gnomAD compares: African/African-American, 0.56%; 2 homozygotes.

Submissions (5):

CeGaT Center for Human Genetics Tuebingen
Classification: Likely benign. Last evaluated: 2025-07-01. Review status: criteria provided, single submitter. Criteria: CeGaT Center For Human Genetics Tuebingen Variant Classification Criteria Version 2. Collection method: clinical testing. Allele origin: germline. Affected: yes. Observed: 1 variant allele.
Comment: KANSL1: BP4, BP7

Labcorp Genetics (formerly Invitae), Labcorp
Classification: Benign for Koolen-de Vries syndrome. Last evaluated: 2025-05-12. Review status: criteria provided, single submitter. Criteria: Invitae Variant Classification Sherloc (09022015). Collection method: clinical testing. Allele origin: germline.

Fulgent Genetics
Classification: Benign for Koolen-de Vries syndrome. Last evaluated: 2021-08-16. Review status: criteria provided, single submitter. Criteria: ACMG Guidelines, 2015. Collection method: clinical testing. Allele origin: unknown.

GeneDx
Classification: Benign. Last evaluated: 2015-03-03. Review status: criteria provided, single submitter. Criteria: GeneDx Variant Classification Process June 2021. Collection method: clinical testing. Allele origin: germline. Affected: yes.

Breakthrough Genomics
Classification: Benign. Review status: criteria provided, single submitter. Criteria: ACMG Guidelines, 2015. Collection method: not provided. Allele origin: germline. Inheritance: Autosomal dominant inheritance. Affected: yes.

NM_015443.4(KANSL1):c.297A>G (p.Gln99=)

Gene: KANSL1 (KAT8 regulatory NSL complex subunit 1). Cytogenetic location: 17q21.31.
Variant type: single nucleotide variant.
Coding change: c.297A>G on transcript NM_015443.4 (MANE Select); coding-DNA position 297, A replaced by G.
Protein change: p.Gln99=; no amino-acid change (glutamine 99 retained).
Molecular consequence: synonymous variant.
Genome position (GRCh38, 1-based): chr17:46,171,847, T>C on the plus strand (A>G on the coding strand, the complement: KANSL1 is on the minus strand). VCF-style: chr17-46171847-T-C. GRCh37 (hg19) VCF-style: chr17-44249213-T-C.
Other names: c.297A>G, p.Gln99= (NM_001193465.2, NM_001193466.2, NM_001379198.1).
Identifiers: ClinVar variation 468405 (VCV000468405.24), dbSNP rs34801822, ClinGen allele CA8619077.
Genomic context (GRCh38, chr17:46,171,847, plus strand): 5'-TTCATAGGACTGAGATAAGAGAGGATGAGATTTAAGGACTGTCTGCTTGCTGAAGACCCC[T>C]TGCAACTTCAAAGACTCCTTTGAGGGAACAGATGTTACATCAGAGCAGAGATAAGATGCC-3'
Protein context (NP_056258.1, residues 89-109): SVPSKESLKL[Gln99=]GVFSKQTVLK